The following is an entry in ClinVar:

NM_000228.3(LAMB3):c.3119G>A (p.Trp1040Ter)

Gene: LAMB3 (laminin subunit beta 3; minus strand). Cytogenetic location: 1q32.2.
Variant type: single nucleotide variant.
Coding change: c.3119G>A on transcript NM_000228.3 (MANE Select); coding-DNA position 3119, G replaced by A.
Protein change: p.Trp1040Ter; replaces tryptophan 1040 with a stop codon.
Molecular consequence: nonsense.
Genome position (GRCh38, 1-based): chr1:209,617,519, C>T on the plus strand (G>A on the coding strand, the complement: LAMB3 is on the minus strand). VCF-style: chr1-209617519-C-T. GRCh37 (hg19) VCF-style: chr1-209790864-C-T.
Other names: c.3119G>A, p.Trp1040Ter (NM_001017402.2, NM_001127641.1); short protein forms W1040*.
Identifiers: ClinVar variation 370778 (VCV000370778.19), dbSNP rs1057516759, ClinGen allele CA16040688.
Genomic context (GRCh38, chr1:209,617,519, plus strand): 5'-GCCTGGACTGCCTCTGCCCCCTGCTGCCGGGCTTGGTGGCGGAGCTCCTCCATCCGTGTC[C>T]AGAAGTCACCCAGCTGCTTGGTCATGCTTGTCACCAGCTTTTCTGCTGGCCGCAGTACCT-3'

ClinVar aggregate classification (germline): Pathogenic/Likely pathogenic. Review status: criteria provided, multiple submitters, no conflicts (2 of 4 stars). 6 submissions from 6 submitters: Pathogenic (3); Likely pathogenic (1). 2 of the submissions do not count toward it. Last evaluated 2024-02-25.

Conditions:
Junctional epidermolysis bullosa gravis of Herlitz. Also called: Epidermolysis Bullosa Letalis; Herlitz-type junctional epidermolysis bullosa; EPIDERMOLYSIS BULLOSA, JUNCTIONAL 1B, SEVERE; EPIDERMOLYSIS BULLOSA JUNCTIONALIS, HERLITZ TYPE; EPIDERMOLYSIS BULLOSA, JUNCTIONAL, HERLITZ-PEARSON TYPE; JEB-HERLITZ TYPE. Identifiers: Orphanet 79404, MedGen C0079683, MONDO:0009182, OMIM 226700.
Junctional epidermolysis bullosa. Identifiers: Orphanet 305, MedGen C0079301, MONDO:0017612.

Submissions (6):

Labcorp Genetics (formerly Invitae), Labcorp
Classification: Pathogenic. Last evaluated: 2024-02-25. Review status: criteria provided, single submitter. Criteria: Invitae Variant Classification Sherloc (09022015). Collection method: clinical testing. Allele origin: germline.
Comment: This sequence change creates a premature translational stop signal (p.Trp1040*) in the LAMB3 gene. It is expected to result in an absent or disrupted protein product. Loss-of-function variants in LAMB3 are known to be pathogenic (PMID: 11023379, 16473856). This variant is not present in population databases (gnomAD no frequency). This variant has not been reported in the literature in individuals affected with LAMB3-related conditions. ClinVar contains an entry for this variant (Variation ID: 370778). For these reasons, this variant has been classified as Pathogenic.

Women's Health and Genetics/Laboratory Corporation of America, LabCorp
Classification: Pathogenic for Junctional epidermolysis bullosa. Last evaluated: 2022-10-05. Review status: criteria provided, single submitter. Criteria: LabCorp Variant Classification Summary - May 2015. Collection method: clinical testing. Allele origin: germline.
Comment: Variant summary: LAMB3 c.3119G>A (p.Trp1040X) results in a premature termination codon, predicted to cause a truncation of the encoded protein or absence of the protein due to nonsense mediated decay, which are commonly known mechanisms for disease. Truncations downstream of this position have been reported in association with Epidermolysis bullosa and Amelogenesis imperfecta in HGMD. The variant was absent in 251436 control chromosomes. c.3119G>A has been reported in the literature in individuals affected with Junctional Epidermolysis Bullosa (Cheng_2020, Hou_2021). These data indicate that the variant is very likely to be associated with disease. To our knowledge, no experimental evidence demonstrating an impact on protein function has been reported. The variant is detected in trans with other known pathogenic variants (e.g. c.2188C>T), supporting a pathogenic role. Four clinical diagnostic laboratories have submitted clinical-significance assessments for this variant to ClinVar after 2014 without evidence for independent evaluation. All laboratories classified the variant as pathogenic/likely pathogenic. Based on the evidence outlined above, the variant was classified as pathogenic.

Revvity Omics, Revvity
Classification: Pathogenic. Last evaluated: 2022-05-02. Review status: criteria provided, single submitter. Criteria: ACMG Guidelines, 2015. Collection method: clinical testing. Allele origin: germline.

Laboratory for Molecular Medicine, Mass General Brigham Personalized Medicine
Classification: Likely pathogenic for Junctional epidermolysis bullosa. Last evaluated: 2020-06-25. Review status: criteria provided, single submitter. Criteria: LMM Criteria. Collection method: clinical testing. Allele origin: germline. Inheritance: Autosomal recessive inheritance. Observed: 1 variant allele.
Comment: The pTrp1040X variant in LAMB3 has not been previously reported in individuals with Junctional epidermolysis bullosa and was absent from large population studies, but has been reported in ClinVar (Variation ID: 370778). This nonsense variant leads to a premature termination codon at position 1040, which is predicted to lead to a truncated or absent protein. Loss of function of the LABM3 gene is an established disease mechanism in autosomal recessive junctional epidermolysis bullosa. In summary, although additional studies are required to fully establish its clinical significance, this variant meets criteria to be classified as likely pathogenic for autosomal recessive junctional epidermolysis bullosa. ACMG/AMP Criteria applied: PVS1, PM2.

Limin Genodermatosis Research Center, The First Affiliated Hospital of Soochow University
Classification: Pathogenic for Junctional epidermolysis bullosa gravis of Herlitz. Last evaluated: 2020-08-18. Review status: no assertion criteria provided. Collection method: clinical testing. Allele origin: germline. Affected: yes. Not counted in ClinVar's aggregate classification.

Counsyl
Classification: Likely pathogenic for Junctional epidermolysis bullosa gravis of Herlitz. Last evaluated: 2016-04-14. Review status: no assertion criteria provided. Collection method: clinical testing. Allele origin: unknown. Not counted in ClinVar's aggregate classification.

Literature cited by the submitters: PubMed 11023379 (cited by Labcorp Genetics (formerly Invitae), Labcorp); PubMed 16473856 (cited by Labcorp Genetics (formerly Invitae), Labcorp); PubMed 32484238 (cited by Women's Health and Genetics/Laboratory Corporation of America, LabCorp); PubMed 34231856 (cited by Women's Health and Genetics/Laboratory Corporation of America, LabCorp).